The following is an entry in ClinVar:

NM_000038.6(APC):c.763dup (p.His255fs)

Gene: APC (APC regulator of Wnt signaling pathway; plus strand). Cytogenetic location: 5q22.2.
Variant type: Duplication.
Coding change: c.763dup on transcript NM_000038.6 (MANE Select); coding-DNA position 763, one base duplicated (C; older notation c.763dupC).
Protein change: p.His255fs; shifts the reading frame from histidine 255.
Molecular consequence: frameshift variant. On other transcripts: 5 prime UTR variant (4), non-coding transcript variant (2).
Genome position (GRCh38, 1-based): chr5:112,801,312, C duplicated. VCF-style (leftmost placement, unchanged base first): chr5-112801311-A-AC. GRCh37 (hg19) VCF-style: chr5-112137008-A-AC.
Other names: c.763dup, p.His255fs (NM_001127510.3, NM_001354895.2, NM_001354896.2 and 12 more transcripts); c.709dup, p.His237fs (NM_001127511.3); c.793dup, p.His265fs (NM_001354897.2, NM_001354902.2, NM_001407446.1); c.688dup, p.His230fs (NM_001354898.2, NM_001354904.2, NM_001407451.1); c.679dup, p.His227fs (NM_001354899.2, NM_001407452.1, NM_001407467.1 and 1 more transcripts); c.586dup, p.His196fs (NM_001354900.2, NM_001354901.2, NM_001354905.2 and 1 more transcripts); c.-273dup (NM_001354906.2, NM_001407470.1, NM_001407471.1 and 1 more transcripts); short protein forms H196fs, H227fs, H230fs, H237fs, H255fs, H265fs.
Identifiers: ClinVar variation 3231388 (VCV003231388.1), dbSNP rs2532752106, ClinGen allele CA2695205023.

ClinVar aggregate classification (germline): Pathogenic (1 of 4 stars; one submission).

Conditions:
Hereditary cancer-predisposing syndrome. Also called: Neoplastic Syndromes, Hereditary; Tumor predisposition; Hereditary neoplastic syndrome; Hereditary Cancer Syndrome. Identifiers: Orphanet 140162, MedGen C0027672, MeSH D009386, MONDO:0015356.

Submission:

Ambry Genetics
Classification: Pathogenic for Hereditary cancer-predisposing syndrome. Last evaluated: 2024-03-06. Review status: criteria provided, single submitter. Criteria: Ambry Variant Classification Scheme 2023. Collection method: clinical testing. Allele origin: germline.
Comment: The c.763dupC pathogenic mutation, located in coding exon 7 of the APC gene, results from a duplication of C at nucleotide position 763, causing a translational frameshift with a predicted alternate stop codon (p.H255Pfs*2). This alteration is expected to result in loss of function by premature protein truncation or nonsense-mediated mRNA decay. As such, this alteration is interpreted as a disease-causing mutation.